The following is an entry in ClinVar:

NM_001136191.3(KANK2):c.1363A>G (p.Arg455Gly)

Gene: KANK2 (KN motif and ankyrin repeat domains 2; minus strand). Cytogenetic location: 19p13.2.
Variant type: single nucleotide variant.
Coding change: c.1363A>G on transcript NM_001136191.3 (MANE Select); coding-DNA position 1363, A replaced by G.
Protein change: p.Arg455Gly; replaces arginine 455 with glycine.
Molecular consequence: missense variant.
Genome position (GRCh38, 1-based): chr19:11,178,607, T>C on the plus strand (A>G on the coding strand, the complement: KANK2 is on the minus strand). VCF-style: chr19-11178607-T-C. GRCh37 (hg19) VCF-style: chr19-11289283-T-C.
Other names: c.1363A>G, p.Arg455Gly (NM_001329451.2, NM_001379548.1, NM_001379549.1 and 15 more transcripts); short protein forms R455G.
Identifiers: ClinVar variation 1474179 (VCV001474179.8), dbSNP rs764504480, ClinGen allele CA9205718.
Genomic context (GRCh38, chr19:11,178,607, plus strand): 5'-ACTTACCGGTGCCCCCGGCCTCCTCGGACTCTTGGGAGGCTGCTTGCCTGGTGGGCTCCC[T>C]GTGGGTGGGCTCCTGGGTGGGCACTCGGCCTGTGCTCTTCTCAGGCTGTGTAAGGGAGGC-3'
Protein context (NP_001129663.1, residues 445-465): GRVPTQEPTH[Arg455Gly]EPTRQAASQE

ClinVar aggregate classification (germline): Uncertain significance (1 of 4 stars; one submission).

Allele frequency attached by ClinVar (database versions not stated): gnomAD exomes below 0.00001; ExAC 0.00001.
gnomAD v4.1: 2 of 1,602,046 alleles (0.00012%); highest among the groups gnomAD compares: South Asian, 0.0022%; no homozygotes.

Submission:

Labcorp Genetics (formerly Invitae), Labcorp
Classification: Uncertain significance. Last evaluated: 2021-12-03. Review status: criteria provided, single submitter. Criteria: Invitae Variant Classification Sherloc (09022015). Collection method: clinical testing. Allele origin: germline.
Comment: The frequency data for this variant in the population databases is considered unreliable, as metrics indicate poor data quality at this position in the gnomAD database. This variant has not been reported in the literature in individuals affected with KANK2-related conditions. Algorithms developed to predict the effect of missense changes on protein structure and function output the following: SIFT: "Tolerated"; PolyPhen-2: "Benign"; Align-GVGD: "Class C0". The glycine amino acid residue is found in multiple mammalian species, which suggests that this missense change does not adversely affect protein function. In summary, the available evidence is currently insufficient to determine the role of this variant in disease. Therefore, it has been classified as a Variant of Uncertain Significance. This sequence change replaces arginine, which is basic and polar, with glycine, which is neutral and non-polar, at codon 455 of the KANK2 protein (p.Arg455Gly).